The following is an entry in ClinVar:

ClinVar aggregate classification (germline): Uncertain significance. Review status: criteria provided, multiple submitters, no conflicts (2 of 4 stars). 2 submissions from 2 submitters: Uncertain significance (2). Last evaluated 2025-07-11.

Conditions:
Cardiovascular phenotype. Identifiers: MedGen CN230736.
Hereditary cancer-predisposing syndrome. Also called: Neoplastic Syndromes, Hereditary; Tumor predisposition; Hereditary neoplastic syndrome; Hereditary Cancer Syndrome. Identifiers: Orphanet 140162, MedGen C0027672, MeSH D009386, MONDO:0015356.

gnomAD v4.1: 2 of 1,612,442 alleles (0.00012%); highest among the groups gnomAD compares: Non-Finnish European, 0.00017%; no homozygotes.

Submissions (2):

GeneDx
Classification: Uncertain significance. Last evaluated: 2025-07-11. Review status: criteria provided, single submitter. Criteria: GeneDx Variant Classification Process June 2021. Collection method: clinical testing. Allele origin: germline.
Comment: Not observed at significant frequency in large population cohorts (gnomAD); In silico analysis supports that this missense variant has a deleterious effect on protein structure/function; Has not been previously published as pathogenic or benign to our knowledge

Ambry Genetics
Classification: Uncertain significance for Cardiovascular phenotype; Hereditary cancer-predisposing syndrome. Last evaluated: 2023-12-05. Review status: criteria provided, single submitter. Criteria: Ambry Variant Classification Scheme 2023. Collection method: clinical testing. Allele origin: germline.
Comment: The p.L470P variant (also known as c.1409T>C), located in coding exon 13 of the LZTR1 gene, results from a T to C substitution at nucleotide position 1409. The leucine at codon 470 is replaced by proline, an amino acid with similar properties. This amino acid position is conserved. In addition, this alteration is predicted to be deleterious by in silico analysis. Since supporting evidence is limited at this time, the clinical significance of this alteration remains unclear.

NM_006767.4(LZTR1):c.1409T>C (p.Leu470Pro)

Gene: LZTR1 (leucine zipper like post translational regulator 1; plus strand). Cytogenetic location: 22q11.21.
Variant type: single nucleotide variant.
Coding change: c.1409T>C on transcript NM_006767.4 (MANE Select); coding-DNA position 1409, T replaced by C.
Protein change: p.Leu470Pro; replaces leucine 470 with proline.
Molecular consequence: missense variant.
Genome position (GRCh38, 1-based): chr22:20,993,979, T>C. VCF-style: chr22-20993979-T-C. GRCh37 (hg19) VCF-style: chr22-21348268-T-C.
Other names: short protein forms L470P.
Identifiers: ClinVar variation 2444718 (VCV002444718.3), dbSNP rs1186505944, ClinGen allele CA410775211.